The following is an entry in ClinVar:

ClinVar aggregate classification (germline): Uncertain significance (1 of 4 stars; one submission).

Conditions:
Hereditary spastic paraplegia 7 (SPG7). Also called: SPASTIC PARAPLEGIA 7, AUTOSOMAL RECESSIVE, WITH OR WITHOUT CEREBELLAR ATAXIA; SPG7-related neurologic disorder; Spastic paraplegia 7; Hereditary spastic paraplegia Paraplegin type; Autosomal recessive spastic paraplegia type 7. Identifiers: Orphanet 99013, MedGen C1846564, MONDO:0011803, OMIM 607259.

Submission:

Labcorp Genetics (formerly Invitae), Labcorp
Classification: Uncertain significance for Hereditary spastic paraplegia 7. Last evaluated: 2024-03-01. Review status: criteria provided, single submitter. Criteria: Invitae Variant Classification Sherloc (09022015). Collection method: clinical testing. Allele origin: germline.
Comment: This sequence change replaces leucine, which is neutral and non-polar, with proline, which is neutral and non-polar, at codon 142 of the SPG7 protein (p.Leu142Pro). This variant is not present in population databases (gnomAD no frequency). This variant has not been reported in the literature in individuals affected with SPG7-related conditions. Advanced modeling of protein sequence and biophysical properties (such as structural, functional, and spatial information, amino acid conservation, physicochemical variation, residue mobility, and thermodynamic stability) performed at Invitae indicates that this missense variant is not expected to disrupt SPG7 protein function with a negative predictive value of 80%. In summary, the available evidence is currently insufficient to determine the role of this variant in disease. Therefore, it has been classified as a Variant of Uncertain Significance.

NM_003119.4(SPG7):c.425T>C (p.Leu142Pro)

Gene: SPG7 (SPG7 matrix AAA peptidase subunit, paraplegin; plus strand). Cytogenetic location: 16q24.3.
Variant type: single nucleotide variant.
Coding change: c.425T>C on transcript NM_003119.4 (MANE Select); coding-DNA position 425, T replaced by C.
Protein change: p.Leu142Pro; replaces leucine 142 with proline.
Molecular consequence: missense variant.
Genome position (GRCh38, 1-based): chr16:89,524,054, T>C. VCF-style: chr16-89524054-T-C. GRCh37 (hg19) VCF-style: chr16-89590462-T-C.
Other names: c.425T>C, p.Leu142Pro (NM_001363850.1, NM_199367.3); short protein forms L142P.
Identifiers: ClinVar variation 3621991 (VCV003621991.2).